The following is an entry in ClinVar:

ClinVar aggregate classification (germline): Likely pathogenic (1 of 4 stars; one submission).

Conditions:
Nemaline myopathy 2 (NEM2). Also called: Nemaline myopathy 2, autosomal recessive. Identifiers: MedGen C1850569, MONDO:0009725, OMIM 256030.

Submission:

Labcorp Genetics (formerly Invitae), Labcorp
Classification: Likely pathogenic for Nemaline myopathy 2. Last evaluated: 2023-01-05. Review status: criteria provided, single submitter. Criteria: Invitae Variant Classification Sherloc (09022015). Collection method: clinical testing. Allele origin: germline.
Comment: This sequence change affects a donor splice site in intron 170 of the NEB gene. It is expected to disrupt RNA splicing. Variants that disrupt the donor or acceptor splice site typically lead to a loss of protein function (PMID: 16199547), and loss-of-function variants in NEB are known to be pathogenic (PMID: 25205138). In summary, the currently available evidence indicates that the variant is pathogenic, but additional data are needed to prove that conclusively. Therefore, this variant has been classified as Likely Pathogenic. Algorithms developed to predict the effect of sequence changes on RNA splicing suggest that this variant may disrupt the consensus splice site. This variant has not been reported in the literature in individuals affected with NEB-related conditions. This variant is not present in population databases (gnomAD no frequency).

Literature cited by the submitters: PubMed 16199547; PubMed 25205138.

NM_001164508.2(NEB):c.24114+1G>C

Genes: NEB (nebulin; minus strand), RIF1 (replication timing regulatory factor 1; plus strand). Cytogenetic location: 2q23.3.
Variant type: single nucleotide variant.
Coding change: c.24114+1G>C on transcript NM_001164508.2 (MANE Select); the canonical splice donor site of the intron after coding-DNA position 24114, G replaced by C.
Molecular consequence: splice donor variant. On other transcripts: intron variant (1).
Genome position (GRCh38, 1-based): chr2:151,499,297, C>G on the plus strand (G>C on the coding strand, the complement: NEB is on the minus strand). VCF-style: chr2-151499297-C-G. GRCh37 (hg19) VCF-style: chr2-152355811-C-G.
Other names: c.18826-2929G>C (NM_004543.5); c.24114+1G>C (NM_001164507.2); c.24219+1G>C (NM_001271208.2).
Identifiers: ClinVar variation 2892118 (VCV002892118.3), dbSNP rs755239192, ClinGen allele CA348779349.